The following is an entry in ClinVar:

NM_020937.4(FANCM):c.4779+6A>T

Gene: FANCM (FA complementation group M; plus strand). Cytogenetic location: 14q21.2.
Variant type: single nucleotide variant.
Coding change: c.4779+6A>T on transcript NM_020937.4 (MANE Select); 6 bases into the intron after coding-DNA position 4779, A replaced by T.
Molecular consequence: intron variant.
Genome position (GRCh38, 1-based): chr14:45,187,893, A>T. VCF-style: chr14-45187893-A-T. GRCh37 (hg19) VCF-style: chr14-45657096-A-T.
Other names: c.4701+6A>T (NM_001308133.2).
Identifiers: ClinVar variation 1919941 (VCV001919941.5), dbSNP rs2503239084, ClinGen allele CA2580088132.
Genomic context (GRCh38, chr14:45,187,893, plus strand): 5'-CAATAAGTACAAAATGATTCATAAGACACATAAAAACATAAACATTTTCTCGCAGGTATG[A>T]ACTATAGAAATATAATGGAGAATTTCTGGATGATGATGTTGAAATATGTTCCTGTTAGTG-3'

ClinVar aggregate classification (germline): Uncertain significance (1 of 4 stars; one submission).

Conditions:
Fanconi anemia (FA). Also called: Fanconi's anemia. Identifiers: Orphanet 84, MedGen C0015625, MeSH D005199, MONDO:0019391.

Submission:

Labcorp Genetics (formerly Invitae), Labcorp
Classification: Uncertain significance for Fanconi anemia. Last evaluated: 2022-10-08. Review status: criteria provided, single submitter. Criteria: Invitae Variant Classification Sherloc (09022015). Collection method: clinical testing. Allele origin: germline.
Comment: This variant has not been reported in the literature in individuals affected with FANCM-related conditions. In summary, the available evidence is currently insufficient to determine the role of this variant in disease. Therefore, it has been classified as a Variant of Uncertain Significance. Variants that disrupt the consensus splice site are a relatively common cause of aberrant splicing (PMID: 17576681, 9536098). Algorithms developed to predict the effect of sequence changes on RNA splicing suggest that this variant is not likely to affect RNA splicing. This variant is not present in population databases (gnomAD no frequency). This sequence change falls in intron 19 of the FANCM gene. It does not directly change the encoded amino acid sequence of the FANCM protein. It affects a nucleotide within the consensus splice site.

Literature cited by the submitters: PubMed 17576681; PubMed 9536098.